The following is an entry in ClinVar:

NM_001046.3(SLC12A2):c.1718A>G (p.Asp573Gly)

Gene: SLC12A2 (solute carrier family 12 member 2; plus strand). Cytogenetic location: 5q23.3.
Variant type: single nucleotide variant.
Coding change: c.1718A>G on transcript NM_001046.3 (MANE Select); coding-DNA position 1718, A replaced by G.
Protein change: p.Asp573Gly; replaces aspartic acid 573 with glycine.
Molecular consequence: missense variant. On other transcripts: non-coding transcript variant (1).
Genome position (GRCh38, 1-based): chr5:128,141,926, A>G. VCF-style: chr5-128141926-A-G. GRCh37 (hg19) VCF-style: chr5-127477618-A-G.
Other names: c.1718A>G, p.Asp573Gly (NM_001256461.2); short protein forms D573G.
Identifiers: ClinVar variation 2005538 (VCV002005538.4), dbSNP rs2479380232, ClinGen allele CA360745433.
Genomic context (GRCh38, chr5:128,141,926, plus strand): 5'-ATGACACTATCGTAACAGAGCTAACAAACTGTACTTCTGCAGCCTGCAAATTAAACTTTG[A>G]TTTTTCATCTTGTGAAAGCAGTCCTTGTTCCTATGGCCTAATGAACAACTTCCAGGTGAG-3'
Protein context (NP_001037.1, residues 563-583): CTSAACKLNF[Asp573Gly]FSSCESSPCS

ClinVar aggregate classification (germline): Uncertain significance (1 of 4 stars; one submission).

gnomAD v4.1: 1 of 1,613,968 alleles (0.000062%); no homozygotes.

Submission:

Labcorp Genetics (formerly Invitae), Labcorp
Classification: Uncertain significance. Last evaluated: 2023-05-10. Review status: criteria provided, single submitter. Criteria: Invitae Variant Classification Sherloc (09022015). Collection method: clinical testing. Allele origin: germline.
Comment: In summary, the available evidence is currently insufficient to determine the role of this variant in disease. Therefore, it has been classified as a Variant of Uncertain Significance. Advanced modeling of protein sequence and biophysical properties (such as structural, functional, and spatial information, amino acid conservation, physicochemical variation, residue mobility, and thermodynamic stability) performed at Invitae indicates that this missense variant is not expected to disrupt SLC12A2 protein function. ClinVar contains an entry for this variant (Variation ID: 2005538). This variant has not been reported in the literature in individuals affected with SLC12A2-related conditions. This variant is not present in population databases (gnomAD no frequency). This sequence change replaces aspartic acid, which is acidic and polar, with glycine, which is neutral and non-polar, at codon 573 of the SLC12A2 protein (p.Asp573Gly).